The following is an entry in ClinVar:

ClinVar aggregate classification (germline): Uncertain significance (1 of 4 stars; one submission).

Conditions:
Combined immunodeficiency due to DOCK8 deficiency (HIES2). Also called: HIES autosomal recessive; DOCK8 Deficiency; Hyper-IgE recurrent infection syndrome, autosomal recessive; HYPER-IgE RECURRENT INFECTION SYNDROME 2, AUTOSOMAL RECESSIVE; HYPER-IgE SYNDROME 2, AUTOSOMAL RECESSIVE, WITH RECURRENT INFECTIONS. Identifiers: Orphanet 217390, MedGen C4722305, MONDO:0009478, OMIM 243700.

Allele frequency attached by ClinVar (database versions not stated): gnomAD 0.00001; TOPMed 0.00001; gnomAD exomes below 0.00001.

Submission:

Labcorp Genetics (formerly Invitae), Labcorp
Classification: Uncertain significance for Combined immunodeficiency due to DOCK8 deficiency. Last evaluated: 2024-11-09. Review status: criteria provided, single submitter. Criteria: Invitae Variant Classification Sherloc (09022015). Collection method: clinical testing. Allele origin: germline.
Comment: This sequence change falls in intron 22 of the DOCK8 gene. It does not directly change the encoded amino acid sequence of the DOCK8 protein. This variant is present in population databases (no rsID available, gnomAD 0.007%). This variant has not been reported in the literature in individuals affected with DOCK8-related conditions. ClinVar contains an entry for this variant (Variation ID: 939560). Algorithms developed to predict the effect of sequence changes on RNA splicing suggest that this variant may disrupt the consensus splice site. In summary, the available evidence is currently insufficient to determine the role of this variant in disease. Therefore, it has been classified as a Variant of Uncertain Significance.

NM_203447.4(DOCK8):c.2779-10del

Gene: DOCK8 (dedicator of cytokinesis 8; plus strand). Cytogenetic location: 9p24.3.
Variant type: Deletion.
Coding change: c.2779-10del on transcript NM_203447.4 (MANE Select); 10 bases into the intron before coding-DNA position 2779, one base deleted (T; older notation c.2779-10delT).
Molecular consequence: intron variant.
Genome position (GRCh38, 1-based): chr9:386,321, T deleted. VCF-style (leftmost placement, unchanged base first): chr9-386320-GT-G. GRCh37 (hg19) VCF-style: chr9-386320-GT-G.
Other names: c.2575-10del (NM_001193536.2); c.2574+3636del (NM_001190458.2).
Identifiers: ClinVar variation 939560 (VCV000939560.9), dbSNP rs1349975258, ClinGen allele CA585878776.